The following is an entry in ClinVar:

Single allele

Variant type: Duplication.
Identifiers: ClinVar variation 156836 (VCV000156836.2).

ClinVar aggregate classification (germline): not provided (0 of 4 stars; one submission).

Conditions:
Normal pregnancy. Identifiers: MedGen C0232989.

Submission:

Institute of Molecular and Cell Biology, University of Tartu
No classification provided. Condition: Normal pregnancy. Review status: no classification provided. Collection method: case-control. Allele origin: unknown. Affected: yes. Study: Kasak2014.
Comment: The study aimed to determine the contribution of copy number variants in the genetic etiology of normal and complicated pregnancies. The samples represented (i) maternal blood DNA drawn from healthy pregnant women during 1st or 2nd trimester and (ii) maternal and paternal blood DNA drawn at term pregnancy cases representing normal and complicated gestations (severe preeclampsia, PE; gestational diabetes, GD; small-for-gestational age newborn, SGA; large-for-gestational age newborn, LGA). We performed CNV calling based on genome-wide genotyping dataset (Illumina HumanOmniExpress-24-v1 BeadChip) by applying three algorithms, QuantiSNP, GADA (Genome Alteration Detection Algorithm) and CNstream in parallel. The acquired CNV calls were merged with HD-CNV (Hotspot Detector for Copy Number Variants) program and only the CNVs predicted by at least two programs, were considered in subsequent analysis.

Literature cited by the submitters: PubMed 25666259.